The following is an entry in ClinVar:

NM_000275.3(OCA2):c.872C>T (p.Thr291Ile)

Gene: OCA2 (OCA2 melanosomal transmembrane protein; minus strand). Cytogenetic location: 15q13.1.
Variant type: single nucleotide variant.
Coding change: c.872C>T on transcript NM_000275.3 (MANE Select); coding-DNA position 872, C replaced by T.
Protein change: p.Thr291Ile; replaces threonine 291 with isoleucine.
Molecular consequence: missense variant.
Genome position (GRCh38, 1-based): chr15:28,016,122, G>A on the plus strand (C>T on the coding strand, the complement: OCA2 is on the minus strand). VCF-style: chr15-28016122-G-A. GRCh37 (hg19) VCF-style: chr15-28261268-G-A.
Other names: c.872C>T, p.Thr291Ile (NM_001300984.2); short protein forms T291I.
Identifiers: ClinVar variation 1507879 (VCV001507879.8), dbSNP rs2141240247, ClinGen allele CA391365311.

ClinVar aggregate classification (germline): Uncertain significance (1 of 4 stars; one submission).

Submission:

Labcorp Genetics (formerly Invitae), Labcorp
Classification: Uncertain significance. Last evaluated: 2022-07-19. Review status: criteria provided, single submitter. Criteria: Invitae Variant Classification Sherloc (09022015). Collection method: clinical testing. Allele origin: germline.
Comment: This sequence change replaces threonine, which is neutral and polar, with isoleucine, which is neutral and non-polar, at codon 291 of the OCA2 protein (p.Thr291Ile). This variant is not present in population databases (gnomAD no frequency). This variant has not been reported in the literature in individuals affected with OCA2-related conditions. ClinVar contains an entry for this variant (Variation ID: 1507879). Advanced modeling of protein sequence and biophysical properties (such as structural, functional, and spatial information, amino acid conservation, physicochemical variation, residue mobility, and thermodynamic stability) performed at Invitae indicates that this missense variant is not expected to disrupt OCA2 protein function. In summary, the available evidence is currently insufficient to determine the role of this variant in disease. Therefore, it has been classified as a Variant of Uncertain Significance.